The following is an entry in ClinVar:

ClinVar aggregate classification (germline): Likely benign. Review status: criteria provided, multiple submitters, no conflicts (2 of 4 stars). 3 submissions from 3 submitters: Likely benign (3). Last evaluated 2024-11-11.

Conditions:
Polycystic kidney disease, adult type (PKD1). Also called: Polycystic Kidney Disease 1, Autosomal Dominant; Polycystic kidney disease 1; Polycystic kidney disease 1, severe; Polycystic Kidney, Autosomal Dominant; POLYCYSTIC KIDNEY DISEASE 1 WITH OR WITHOUT POLYCYSTIC LIVER DISEASE; POLYCYSTIC KIDNEY DISEASE, ADULT, TYPE I. Identifiers: MedGen C3149841, MONDO:0008263, OMIM 173900.

Allele frequency attached by ClinVar (database versions not stated): gnomAD exomes 0.00002; ExAC 0.00006; gnomAD 0.00019; TOPMed 0.00042; 1000 Genomes Project 30x 0.00062; 1000 Genomes Project 0.00080.
gnomAD v4.1: 71 of 1,610,300 alleles (0.0044%); highest among the groups gnomAD compares: Admixed American, 0.053%; no homozygotes.

Submissions (3):

Blueprint Genetics
Classification: Likely benign. Last evaluated: 2024-11-11. Review status: criteria provided, single submitter. Criteria: ACMG Guidelines, 2015. Collection method: clinical testing. Allele origin: germline.

CeGaT Center for Human Genetics Tuebingen
Classification: Likely benign. Last evaluated: 2024-04-01. Review status: criteria provided, single submitter. Criteria: CeGaT Center For Human Genetics Tuebingen Variant Classification Criteria Version 2. Collection method: clinical testing. Allele origin: germline. Affected: yes. Observed: 1 variant allele.
Comment: PKD1: BP4, BP7

Department of Pathology and Laboratory Medicine, Sinai Health System
Classification: Likely benign for Polycystic kidney disease, adult type. Last evaluated: 2019-12-18. Review status: criteria provided, single submitter. Criteria: ACMG Guidelines, 2015. Collection method: clinical testing. Allele origin: germline. Affected: yes.

NM_001009944.3(PKD1):c.6180C>T (p.Ala2060=)

Gene: PKD1 (polycystin 1, transient receptor potential channel interacting; minus strand). Cytogenetic location: 16p13.3.
Variant type: single nucleotide variant.
Coding change: c.6180C>T on transcript NM_001009944.3 (MANE Select); coding-DNA position 6180, C replaced by T.
Protein change: p.Ala2060=; no amino-acid change (alanine 2060 retained).
Molecular consequence: synonymous variant.
Genome position (GRCh38, 1-based): chr16:2,108,987, G>A on the plus strand (C>T on the coding strand, the complement: PKD1 is on the minus strand). VCF-style: chr16-2108987-G-A. GRCh37 (hg19) VCF-style: chr16-2158988-G-A.
Other names: c.6180C>T, p.Ala2060= (NM_000296.4).
Identifiers: ClinVar variation 3234281 (VCV003234281.22), dbSNP rs200782383, ClinGen allele CA7831690.